The following is an entry in ClinVar:

NM_000038.6(APC):c.1549-3C>T

Gene: APC (APC regulator of Wnt signaling pathway; plus strand). Cytogenetic location: 5q22.2.
Variant type: single nucleotide variant.
Coding change: c.1549-3C>T on transcript NM_000038.6 (MANE Select); 3 bases into the intron before coding-DNA position 1549, C replaced by T.
Molecular consequence: intron variant.
Genome position (GRCh38, 1-based): chr5:112,827,926, C>T. VCF-style: chr5-112827926-C-T. GRCh37 (hg19) VCF-style: chr5-112163623-C-T.
Other names: c.1549-3C>T (NM_001354895.2, NM_001127510.3); c.1579-3C>T (NM_001354897.2); c.1276-3C>T (NM_001354902.2); c.1495-3C>T (NM_001127511.3); c.1474-3C>T (NM_001354898.2); c.1171-3C>T (NM_001354904.2); c.700-3C>T (NM_001354906.2); c.1603-3C>T (NM_001354896.2); and 5 more.
Identifiers: ClinVar variation 819487 (VCV000819487.12), dbSNP rs1188933026, ClinGen allele CA561904863.

ClinVar aggregate classification (germline): Likely benign. Review status: criteria provided, multiple submitters, no conflicts (2 of 4 stars). 3 submissions from 3 submitters: Likely benign (3). Last evaluated 2026-04-03.

Conditions:
Hereditary cancer-predisposing syndrome. Also called: Neoplastic Syndromes, Hereditary; Hereditary neoplastic syndrome; Hereditary Cancer Syndrome; Tumor predisposition. Identifiers: Orphanet 140162, MedGen C0027672, MeSH D009386, MONDO:0015356.
Classic or attenuated familial adenomatous polyposis. Identifiers: MedGen CN372698, MONDO:0021057.
Familial adenomatous polyposis 1 (FAP1). Also called: FAMILIAL ADENOMATOUS POLYPOSIS 1, ATTENUATED; POLYPOSIS, ADENOMATOUS INTESTINAL. Identifiers: MedGen C2713442, MONDO:0021056, OMIM 175100. Disease mechanism: loss of function.

Allele frequency attached by ClinVar (database versions not stated): gnomAD exomes below 0.00001.
gnomAD v4.1: 5 of 1,612,436 alleles (0.00031%); highest among the groups gnomAD compares: East Asian, 0.0045%; no homozygotes.

Submissions (3):

Ambry Genetics
Classification: Likely benign for Hereditary cancer-predisposing syndrome. Last evaluated: 2026-04-03. Review status: criteria provided, single submitter. Criteria: Ambry Variant Classification Scheme 2023. Collection method: clinical testing. Allele origin: germline.

Labcorp Genetics (formerly Invitae), Labcorp
Classification: Likely benign for Familial adenomatous polyposis 1. Last evaluated: 2025-06-09. Review status: criteria provided, single submitter. Criteria: Invitae Variant Classification Sherloc (09022015). Collection method: clinical testing. Allele origin: germline.

All of Us Research Program, National Institutes of Health
Classification: Likely benign for Classic or attenuated familial adenomatous polyposis. Last evaluated: 2023-11-02. Review status: criteria provided, single submitter. Criteria: ACMG Guidelines, 2015. Collection method: clinical testing. Allele origin: germline. Inheritance: Autosomal dominant inheritance. Observed: 1 variant allele, 1 heterozygote.
Comment: This study involves interpretation of variants in research participants for the purpose of population health screening. Participant phenotype was not available at the time of variant classification. Additional details can be found in publication PMID: 35346344, PMCID: PMC8962531